The following is an entry in ClinVar:

NM_005122.5(NR1I3):c.540C>T (p.Pro180=)

Gene: NR1I3 (nuclear receptor subfamily 1 group I member 3; minus strand). Cytogenetic location: 1q23.3.
Variant type: single nucleotide variant.
Coding change: c.540C>T on transcript NM_005122.5 (MANE Select); coding-DNA position 540, C replaced by T.
Protein change: p.Pro180=; no amino-acid change (proline 180 retained).
Molecular consequence: synonymous variant.
Genome position (GRCh38, 1-based): chr1:161,232,815, G>A on the plus strand (C>T on the coding strand, the complement: NR1I3 is on the minus strand). VCF-style: chr1-161232815-G-A. GRCh37 (hg19) VCF-style: chr1-161202605-G-A.
Other names: c.540C>T, p.Pro180= (NM_001077469.3, NM_001077471.3, NM_001077474.3 and 4 more transcripts); c.453C>T, p.Pro151= (NM_001077470.3, NM_001077472.3, NM_001077473.3 and 4 more transcripts); c.540C>T (NM_005122.4).
Identifiers: ClinVar variation 197772 (VCV000197772.8), dbSNP rs2307424, ClinGen allele CA203070.
Genomic context (GRCh38, chr1:161,232,815, plus strand): 5'-ATACAATTTACTGAAGTGTTTGCCTCCTGAAAGATGAGGGGAGGTCACTCACCGGAAGAC[G>A]GGCAGGTCCTTAGTAAACTTGATGACTTGCAGTACCATGAAAGTGTTGATGTCTGCGAAG-3'
Protein context (NP_005113.1, residues 170-190): LQVIKFTKDL[Pro180=]VFRSLPIEDQ

ClinVar aggregate classification (germline): Benign. Review status: criteria provided, multiple submitters, no conflicts (2 of 4 stars). 3 submissions from 3 submitters: Benign (2). 1 of the submissions does not count toward it. Last evaluated 2014-10-02.

Conditions:
NR1I3-related disorder. Also called: NR1I3-related condition.

Allele frequency attached by ClinVar (database versions not stated): gnomAD 0.29382 and 0.28602; 1000 Genomes Project 30x 0.32901; 1000 Genomes Project 0.33626; ExAC 0.35343; ESP Exome Variant Server 0.26988; TOPMed 0.28812; gnomAD exomes 0.35462.
gnomAD v4.1: 551,894 of 1,613,446 alleles (34%); highest among the groups gnomAD compares: East Asian, 52%; 97,523 homozygotes.

Submissions (3):

Eurofins Ntd Llc (ga)
Classification: Benign. Last evaluated: 2014-10-02. Review status: criteria provided, single submitter. Criteria: EGL Classification Definitions 2015. Collection method: clinical testing. Allele origin: germline. Observed: 3 variant alleles, 2 heterozygotes, 1 homozygote.

Breakthrough Genomics
Classification: Benign. Review status: criteria provided, single submitter. Criteria: ACMG Guidelines, 2015. Collection method: not provided. Allele origin: germline. Inheritance: Unknown mechanism. Affected: yes.

PreventionGenetics, part of Exact Sciences
Classification: Benign for NR1I3-related condition. Last evaluated: 2019-10-18. Review status: no assertion criteria provided. Collection method: clinical testing. Allele origin: germline. Not counted in ClinVar's aggregate classification.
Comment: This variant is classified as benign based on ACMG/AMP sequence variant interpretation guidelines (Richards et al. 2015 PMID: 25741868, with internal and published modifications).